The following is an entry in ClinVar:

NM_001105206.3(LAMA4):c.5186G>A (p.Gly1729Asp)

Gene: LAMA4 (laminin subunit alpha 4; minus strand). Cytogenetic location: 6q21.
Variant type: single nucleotide variant.
Coding change: c.5186G>A on transcript NM_001105206.3 (MANE Select); coding-DNA position 5186, G replaced by A.
Protein change: p.Gly1729Asp; replaces glycine 1729 with aspartic acid.
Molecular consequence: missense variant.
Genome position (GRCh38, 1-based): chr6:112,114,683, C>T on the plus strand (G>A on the coding strand, the complement: LAMA4 is on the minus strand). VCF-style: chr6-112114683-C-T. GRCh37 (hg19) VCF-style: chr6-112435886-C-T.
Other names: c.5165G>A, p.Gly1722Asp (NM_001105207.3, NM_002290.5); c.5165G>A (NM_002290.3); short protein forms G1722D, G1729D.
Identifiers: ClinVar variation 1063059 (VCV001063059.10), dbSNP rs782531723, ClinGen allele CA3964797.

ClinVar aggregate classification (germline): Uncertain significance. Review status: criteria provided, multiple submitters, no conflicts (2 of 4 stars). 2 submissions from 2 submitters: Uncertain significance (2). Last evaluated 2024-06-24.

Conditions:
Cardiovascular phenotype. Identifiers: MedGen CN230736.
Dilated cardiomyopathy 1JJ (CMD1JJ). Identifiers: Orphanet 154, MedGen C3808935, MONDO:0014095, OMIM 615235.

Allele frequency attached by ClinVar (database versions not stated): gnomAD exomes 0.00001; ExAC 0.00002.
gnomAD v4.1: 18 of 1,612,134 alleles (0.0011%); highest among the groups gnomAD compares: Non-Finnish European, 0.0015%; no homozygotes.

Submissions (2):

Ambry Genetics
Classification: Uncertain significance for Cardiovascular phenotype. Last evaluated: 2024-06-24. Review status: criteria provided, single submitter. Criteria: Ambry Variant Classification Scheme 2023. Collection method: clinical testing. Allele origin: germline.
Comment: The p.G1722D variant (also known as c.5165G>A), located in coding exon 36 of the LAMA4 gene, results from a G to A substitution at nucleotide position 5165. The glycine at codon 1722 is replaced by aspartic acid, an amino acid with similar properties. This amino acid position is conserved. In addition, this alteration is predicted to be deleterious by in silico analysis. Based on the available evidence, the clinical significance of this variant remains unclear.

Labcorp Genetics (formerly Invitae), Labcorp
Classification: Uncertain significance for Dilated cardiomyopathy 1JJ. Last evaluated: 2020-07-13. Review status: criteria provided, single submitter. Criteria: Invitae Variant Classification Sherloc (09022015). Collection method: clinical testing. Allele origin: germline.
Comment: In summary, the available evidence is currently insufficient to determine the role of this variant in disease. Therefore, it has been classified as a Variant of Uncertain Significance. Algorithms developed to predict the effect of missense changes on protein structure and function are either unavailable or do not agree on the potential impact of this missense change (SIFT: "Deleterious"; PolyPhen-2: "Probably Damaging"; Align-GVGD: "Class C0"). This variant has not been reported in the literature in individuals with LAMA4-related conditions. This variant is present in population databases (rs782531723, ExAC 0.003%). This sequence change replaces glycine with aspartic acid at codon 1722 of the LAMA4 protein (p.Gly1722Asp). The glycine residue is highly conserved and there is a moderate physicochemical difference between glycine and aspartic acid.